The following is an entry in ClinVar:

ClinVar aggregate classification (germline): Uncertain significance (1 of 4 stars; one submission).

gnomAD v4.1: 30 of 1,608,264 alleles (0.0019%); highest among the groups gnomAD compares: East Asian, 0.051%; no homozygotes.

Submission:

Ambry Genetics
Classification: Uncertain significance. Last evaluated: 2024-03-18. Review status: criteria provided, single submitter. Criteria: Ambry Variant Classification Scheme 2023. Collection method: clinical testing. Allele origin: germline.
Comment: Does not currently meet published gene-disease clinical validity criteria Based on insufficient or conflicting evidence, the clinical significance of this alteration remains unclear.

Literature cited by the submitters: PubMed 28106320.

NM_030667.3(PTPRO):c.2414C>T (p.Thr805Met)

Gene: PTPRO (protein tyrosine phosphatase receptor type O; plus strand). Cytogenetic location: 12p12.3.
Variant type: single nucleotide variant.
Coding change: c.2414C>T on transcript NM_030667.3 (MANE Select); coding-DNA position 2414, C replaced by T.
Protein change: p.Thr805Met; replaces threonine 805 with methionine.
Molecular consequence: missense variant. On other transcripts: 5 prime UTR variant (4).
Genome position (GRCh38, 1-based): chr12:15,549,203, C>T. VCF-style: chr12-15549203-C-T. GRCh37 (hg19) VCF-style: chr12-15702137-C-T.
Other names: c.2414C>T, p.Thr805Met (NM_002848.4); c.-20C>T (NM_030668.3, NM_030669.3, NM_030670.3 and 1 more transcripts); short protein forms T805M.
Identifiers: ClinVar variation 3311644 (VCV003311644.1).
Genomic context (GRCh38, chr12:15,549,203, plus strand): 5'-CTGCCACTGCCTACAATTGTAGTGTCACCAGCTTTAGCCATGACAGCCCCAGTGTCCCTA[C>T]GTTCATAGCCGTCTCAACAATGGGTAATTATACACATTAGTGTATAATTTTCTCACTTTT-3'
Protein context (NP_109592.1, residues 795-815): SFSHDSPSVP[Thr805Met]FIAVSTMVTE